The following is an entry in ClinVar:

ClinVar aggregate classification (germline): Uncertain significance. Review status: criteria provided, multiple submitters, no conflicts (2 of 4 stars). 2 submissions from 2 submitters: Uncertain significance (2). Last evaluated 2025-05-23.

Conditions:
Colorectal cancer, hereditary nonpolyposis, type 7. Identifiers: Orphanet 144, MedGen C1858380, MONDO:0013725, OMIM 614385.

Allele frequency attached by ClinVar (database versions not stated): TOPMed below 0.00001; gnomAD 0.00001.
gnomAD v4.1: 3 of 1,613,724 alleles (0.00019%); highest among the groups gnomAD compares: Non-Finnish European, 0.00025%; no homozygotes.

Submissions (2):

Ambry Genetics
Classification: Uncertain significance. Last evaluated: 2025-05-23. Review status: criteria provided, single submitter. Criteria: Ambry Variant Classification Scheme 2023. Collection method: clinical testing. Allele origin: germline.
Comment: The p.I476F variant (also known as c.1426A>T), located in coding exon 1 of the MLH3 gene, results from an A to T substitution at nucleotide position 1426. The isoleucine at codon 476 is replaced by phenylalanine, an amino acid with highly similar properties. This amino acid position is poorly conserved in available vertebrate species. In addition, this alteration is predicted to be tolerated by in silico analysis. Since supporting evidence is limited at this time, the clinical significance of this alteration remains unclear.

Labcorp Genetics (formerly Invitae), Labcorp
Classification: Uncertain significance for Colorectal cancer, hereditary nonpolyposis, type 7. Last evaluated: 2023-11-27. Review status: criteria provided, single submitter. Criteria: Invitae Variant Classification Sherloc (09022015). Collection method: clinical testing. Allele origin: germline.
Comment: This sequence change replaces isoleucine, which is neutral and non-polar, with phenylalanine, which is neutral and non-polar, at codon 476 of the MLH3 protein (p.Ile476Phe). This variant is not present in population databases (gnomAD no frequency). This variant has not been reported in the literature in individuals affected with MLH3-related conditions. ClinVar contains an entry for this variant (Variation ID: 1772373). An algorithm developed to predict the effect of missense changes on protein structure and function (PolyPhen-2) suggests that this variant is likely to be tolerated. In summary, the available evidence is currently insufficient to determine the role of this variant in disease. Therefore, it has been classified as a Variant of Uncertain Significance.

NM_001040108.2(MLH3):c.1426A>T (p.Ile476Phe)

Gene: MLH3 (mutL homolog 3; minus strand). Cytogenetic location: 14q24.3.
Variant type: single nucleotide variant.
Coding change: c.1426A>T on transcript NM_001040108.2 (MANE Select); coding-DNA position 1426, A replaced by T.
Protein change: p.Ile476Phe; replaces isoleucine 476 with phenylalanine.
Molecular consequence: missense variant.
Genome position (GRCh38, 1-based): chr14:75,048,230, T>A on the plus strand (A>T on the coding strand, the complement: MLH3 is on the minus strand). VCF-style: chr14-75048230-T-A. GRCh37 (hg19) VCF-style: chr14-75514933-T-A.
Other names: c.1426A>T, p.Ile476Phe (NM_014381.3); short protein forms I476F.
Identifiers: ClinVar variation 1772373 (VCV001772373.7), dbSNP rs1027600963, ClinGen allele CA263653067.
Genomic context (GRCh38, chr14:75,048,230, plus strand): 5'-AGCTATGTTCCAGGAAAGATTTTTTATGTTTCTCATTTTCTCCAGCTTCTGATGCTACAA[T>A]TGTCTCTTGTTCTAACATCTTTGATTCTGAGCAAGAGCTGTCTTTGTTTTGTAAAGATGG-3'
Protein context (NP_001035197.1, residues 466-486): SESKMLEQET[Ile476Phe]VASEAGENEK